The following is an entry in ClinVar:

NM_002485.5(NBN):c.448C>T (p.Leu150Phe)

Gene: NBN (nibrin; minus strand). Cytogenetic location: 8q21.3.
Variant type: single nucleotide variant.
Coding change: c.448C>T on transcript NM_002485.5 (MANE Select); coding-DNA position 448, C replaced by T.
Protein change: p.Leu150Phe; replaces leucine 150 with phenylalanine.
Molecular consequence: missense variant.
Genome position (GRCh38, 1-based): chr8:89,980,766, G>A on the plus strand (C>T on the coding strand, the complement: NBN is on the minus strand). VCF-style: chr8-89980766-G-A. GRCh37 (hg19) VCF-style: chr8-90992994-G-A.
Other names: c.202C>T, p.Leu68Phe (NM_001024688.3); short protein forms L150F, L68F.
Identifiers: ClinVar variation 919268 (VCV000919268.11), dbSNP rs773119929, ClinGen allele CA4802981.
Genomic context (GRCh38, chr8:89,980,766, plus strand): 5'-TAACATAAGAACAAGACATTCAACCTACTTTAATGGTAACTTTCACTGATACCATGACAA[G>A]GTGAGTGCATTCTTCTGTCCAATTGTTTACAGTAAATCCTCCAAGTTGCAATATAGCTTG-3'
Protein context (NP_002476.2, residues 140-160): VNNWTEECTH[Leu150Phe]VMVSVKVTIK

ClinVar aggregate classification (germline): Uncertain significance. Review status: criteria provided, multiple submitters, no conflicts (2 of 4 stars). 4 submissions from 4 submitters: Uncertain significance (4). Last evaluated 2023-08-30.

Conditions:
Hereditary cancer-predisposing syndrome. Also called: Hereditary Cancer Syndrome; Hereditary neoplastic syndrome; Neoplastic Syndromes, Hereditary; Tumor predisposition. Identifiers: Orphanet 140162, MedGen C0027672, MeSH D009386, MONDO:0015356.
Microcephaly, normal intelligence and immunodeficiency (NBS). Also called: Ataxia telangiectasia variant V1; IMMUNODEFICIENCY, MICROCEPHALY, AND CHROMOSOMAL INSTABILITY; SEEMANOVA SYNDROME II; Nijmegen breakage syndrome; Microcephaly with normal intelligence immunodeficiency and lymphoreticular malignancies; Nonsyndromal microcephaly autosomal recessive with normal intelligence. Identifiers: Orphanet 647, MedGen C0398791, MONDO:0009623, OMIM 251260.

Allele frequency attached by ClinVar (database versions not stated): gnomAD 0.00001; ExAC 0.00002; gnomAD exomes 0.00002 and 0.00004.

Submissions (4):

Women's Health and Genetics/Laboratory Corporation of America, LabCorp
Classification: Uncertain significance. Last evaluated: 2023-08-30. Review status: criteria provided, single submitter. Criteria: LabCorp Variant Classification Summary - May 2015. Collection method: clinical testing. Allele origin: germline.
Comment: Variant summary: NBN c.448C>T (p.Leu150Phe) results in a non-conservative amino acid change in the encoded protein sequence. Four of five in-silico tools predict a damaging effect of the variant on protein function. The variant allele was found at a frequency of 3.6e-05 in 251264 control chromosomes (gnomAD). The available data on variant occurrences in the general population are insufficient to allow any conclusion about variant significance. c.448C>T has been reported in the literature in individuals affected with Breast Cancer (Heikkinen_2003, Heikkinen_2006) and Acute Myeloid Leukemia (Shi_2011). These reports do not provide unequivocal conclusions about association of the variant with Nijmegen Breakage Syndrome. To our knowledge, no experimental evidence demonstrating an impact on protein function has been reported, however structural models suggest the variant may impact the BRCT binding site (Wiliams_2009). The following publications have been ascertained in the context of this evaluation (PMID: 16474176, 14684699, 20232390, 19804755). Three ClinVar submitters have assessed the variant since 2014, and all submitters classified the variant as uncertain significance. Based on the evidence outlined above, the variant was classified as uncertain significance.

Ambry Genetics
Classification: Uncertain significance for Hereditary cancer-predisposing syndrome. Last evaluated: 2023-03-21. Review status: criteria provided, single submitter. Criteria: Ambry Variant Classification Scheme 2023. Collection method: clinical testing. Allele origin: germline.
Comment: The p.L150F variant (also known as c.448C>T), located in coding exon 4 of the NBN gene, results from a C to T substitution at nucleotide position 448. The leucine at codon 150 is replaced by phenylalanine, an amino acid with highly similar properties. This amino acid position is highly conserved in available vertebrate species. In addition, this alteration is predicted to be deleterious by in silico analysis. Since supporting evidence is limited at this time, the clinical significance of this alteration remains unclear.

Labcorp Genetics (formerly Invitae), Labcorp
Classification: Uncertain significance for Microcephaly, normal intelligence and immunodeficiency. Last evaluated: 2022-12-10. Review status: criteria provided, single submitter. Criteria: Invitae Variant Classification Sherloc (09022015). Collection method: clinical testing. Allele origin: germline.
Comment: Algorithms developed to predict the effect of missense changes on protein structure and function are either unavailable or do not agree on the potential impact of this missense change (SIFT: "Deleterious"; PolyPhen-2: "Probably Damaging"; Align-GVGD: "Class C0"). In summary, the available evidence is currently insufficient to determine the role of this variant in disease. Therefore, it has been classified as a Variant of Uncertain Significance. Experimental studies are conflicting or provide insufficient evidence to determine the effect of this variant on NBN function (PMID: 16474176, 19804755). ClinVar contains an entry for this variant (Variation ID: 919268). This missense change has been observed in individual(s) with breast cancer (PMID: 14684699, 16474176). This variant is present in population databases (rs773119929, gnomAD 0.03%). This sequence change replaces leucine, which is neutral and non-polar, with phenylalanine, which is neutral and non-polar, at codon 150 of the NBN protein (p.Leu150Phe).

GeneDx
Classification: Uncertain significance. Last evaluated: 2022-09-21. Review status: criteria provided, single submitter. Criteria: GeneDx Variant Classification Process June 2021. Collection method: clinical testing. Allele origin: germline. Affected: yes.
Comment: In silico analysis supports that this missense variant has a deleterious effect on protein structure/function; Also known as NBS1 c.448; p.(L150F); Published functional studies demonstrate no damaging effect on protein stability (Williams et al., 2009); Observed in individuals with breast cancer (Heikkinen et al., 2003; Heikkinen et al., 2006); This variant is associated with the following publications: (PMID: 32025336, 14684699, 24894818, 32668560, 26075229, 20439160, 19804756, 24349281, 19804755, 16474176)

Literature cited by the submitters: PubMed 20232390 (cited by Women's Health and Genetics/Laboratory Corporation of America, LabCorp); PubMed 14684699 (cited by 3 submitters); PubMed 16474176 (cited by Women's Health and Genetics/Laboratory Corporation of America, LabCorp and Labcorp Genetics (formerly Invitae), Labcorp); PubMed 19804755 (cited by Women's Health and Genetics/Laboratory Corporation of America, LabCorp and Labcorp Genetics (formerly Invitae), Labcorp).